The following is an entry in ClinVar:

ClinVar aggregate classification (germline): Uncertain significance (1 of 4 stars; one submission).

Allele frequency attached by ClinVar (database versions not stated): TOPMed below 0.00001; gnomAD exomes 0.00001 and 0.00004; gnomAD 0.00002; ExAC 0.00003.
gnomAD v4.1: 30 of 1,596,712 alleles (0.0019%); highest among the groups gnomAD compares: Middle Eastern, 0.05%; no homozygotes.

Submission:

Labcorp Genetics (formerly Invitae), Labcorp
Classification: Uncertain significance. Last evaluated: 2022-05-06. Review status: criteria provided, single submitter. Criteria: Invitae Variant Classification Sherloc (09022015). Collection method: clinical testing. Allele origin: germline.
Comment: This sequence change replaces glutamic acid, which is acidic and polar, with valine, which is neutral and non-polar, at codon 1059 of the MYO5B protein (p.Glu1059Val). This variant is present in population databases (rs781487987, gnomAD 0.01%). This variant has not been reported in the literature in individuals affected with MYO5B-related conditions. ClinVar contains an entry for this variant (Variation ID: 999708). Algorithms developed to predict the effect of missense changes on protein structure and function are either unavailable or do not agree on the potential impact of this missense change (SIFT: "Deleterious"; PolyPhen-2: "Possibly Damaging"; Align-GVGD: "Class C0"). In summary, the available evidence is currently insufficient to determine the role of this variant in disease. Therefore, it has been classified as a Variant of Uncertain Significance.

NM_001080467.3(MYO5B):c.3176A>T (p.Glu1059Val)

Gene: MYO5B (myosin VB; minus strand). Cytogenetic location: 18q21.1.
Variant type: single nucleotide variant.
Coding change: c.3176A>T on transcript NM_001080467.3 (MANE Select); coding-DNA position 3176, A replaced by T.
Protein change: p.Glu1059Val; replaces glutamic acid 1059 with valine.
Molecular consequence: missense variant.
Genome position (GRCh38, 1-based): chr18:49,879,045, T>A on the plus strand (A>T on the coding strand, the complement: MYO5B is on the minus strand). VCF-style: chr18-49879045-T-A. GRCh37 (hg19) VCF-style: chr18-47405415-T-A.
Other names: short protein forms E1059V.
Identifiers: ClinVar variation 999708 (VCV000999708.4), dbSNP rs781487987, ClinGen allele CA8960810.